The following is an entry in ClinVar:

ClinVar aggregate classification (germline): Pathogenic. Review status: criteria provided, multiple submitters, no conflicts (2 of 4 stars). 3 submissions from 3 submitters: Pathogenic (3). Last evaluated 2025-12-29.

Conditions:
BAP1-related tumor predisposition syndrome (TPDS1). Also called: Tumor susceptibility linked to germline BAP1 mutations; BAP1 tumor predisposition syndrome; COMMON Syndrome; TUMOR PREDISPOSITION SYNDROME 1. Identifiers: Orphanet 289539, MedGen C3280492, MONDO:0013692, OMIM 614327.

Submissions (3):

Center for Genomic Medicine, Rigshospitalet, Copenhagen University Hospital
Classification: Pathogenic. Last evaluated: 2025-12-29. Review status: criteria provided, single submitter. Criteria: ACMG Guidelines, 2015. Collection method: clinical testing. Allele origin: germline.

Labcorp Genetics (formerly Invitae), Labcorp
Classification: Pathogenic for BAP1-related tumor predisposition syndrome. Last evaluated: 2025-11-19. Review status: criteria provided, single submitter. Criteria: Invitae Variant Classification Sherloc (09022015). Collection method: clinical testing. Allele origin: germline.
Comment: This sequence change affects an acceptor splice site in intron 7 of the BAP1 gene. RNA analysis indicates that disruption of this splice site induces altered splicing and may result in an absent or altered protein product. This variant is not present in population databases (gnomAD no frequency). Disruption of this splice site has been observed in individual(s) with uveal melanoma or cutaneous melanoma (PMID: 23977234). It has also been observed to segregate with disease in related individuals. ClinVar contains an entry for this variant (Variation ID: 1073322). Studies have shown that disruption of this splice site results in out-of-frame skipping of exon 8, and produces a non-functional protein and/or introduces a premature termination codon (PMID: 23977234). For these reasons, this variant has been classified as Pathogenic.

Department of Clinical Genetics, Copenhagen University Hospital, Rigshospitalet
Classification: Pathogenic for BAP1-related tumor predisposition syndrome. Last evaluated: 2025-01-10. Review status: criteria provided, single submitter. Criteria: ACMG Guidelines, 2015. Collection method: clinical testing. Allele origin: germline. Affected: yes.
Comment: The following ACMG criteria was used: PVS1 (RNA); PS3; PM2_SUP; PP1

Literature cited by the submitters: PubMed 23977234 (cited by 3 submitters); PubMed 38969833 (cited by Center for Genomic Medicine, Rigshospitalet, Copenhagen University Hospital and Department of Clinical Genetics, Copenhagen University Hospital, Rigshospitalet).

NM_004656.4(BAP1):c.581-2A>G

Gene: BAP1 (BRCA1 associated deubiquitinase 1; minus strand). Cytogenetic location: 3p21.1.
Variant type: single nucleotide variant.
Coding change: c.581-2A>G on transcript NM_004656.4 (MANE Select); the canonical splice acceptor site of the intron before coding-DNA position 581, A replaced by G.
Molecular consequence: splice acceptor variant.
Genome position (GRCh38, 1-based): chr3:52,406,909, T>C on the plus strand (A>G on the coding strand, the complement: BAP1 is on the minus strand). VCF-style: chr3-52406909-T-C. GRCh37 (hg19) VCF-style: chr3-52440925-T-C.
Other names: c.581-2A>G (NM_001410772.1).
Identifiers: ClinVar variation 1073322 (VCV001073322.14), dbSNP rs1430317959, ClinGen allele CA353109263.